The following is an entry in ClinVar:

NM_000494.4(COL17A1):c.3620-1G>C

Gene: COL17A1 (collagen type XVII alpha 1 chain; minus strand). Cytogenetic location: 10q25.1.
Variant type: single nucleotide variant.
Coding change: c.3620-1G>C on transcript NM_000494.4 (MANE Select); the canonical splice acceptor site of the intron before coding-DNA position 3620, G replaced by C.
Molecular consequence: splice acceptor variant.
Genome position (GRCh38, 1-based): chr10:104,034,768, C>G on the plus strand (G>C on the coding strand, the complement: COL17A1 is on the minus strand). VCF-style: chr10-104034768-C-G. GRCh37 (hg19) VCF-style: chr10-105794526-C-G.
Identifiers: ClinVar variation 2700316 (VCV002700316.3), dbSNP rs1374789871, ClinGen allele CA378066187.
Genomic context (GRCh38, chr10:104,034,768, plus strand): 5'-CTCGAGGCCCTGGGGGACCAGGAGGTCCTGGAGGGCCTGGGATGAATGACAAGCCGGCAG[C>G]TGGGCAGAAGGAAGAGAAAGAAAGGTCGGGGTAGTGCTGCGGAGGAAGCTGAATTCCCAG-3'

ClinVar aggregate classification (germline): Likely pathogenic (1 of 4 stars; one submission).

Submission:

Labcorp Genetics (formerly Invitae), Labcorp
Classification: Likely pathogenic. Last evaluated: 2023-12-02. Review status: criteria provided, single submitter. Criteria: Invitae Variant Classification Sherloc (09022015). Collection method: clinical testing. Allele origin: germline.
Comment: This sequence change affects an acceptor splice site in intron 50 of the COL17A1 gene. It is expected to disrupt RNA splicing. Variants that disrupt the donor or acceptor splice site typically lead to a loss of protein function (PMID: 16199547), and loss-of-function variants in COL17A1 are known to be pathogenic (PMID: 16473856, 17344927, 20301304, 21357940, 24319098). This variant is not present in population databases (gnomAD no frequency). This variant has not been reported in the literature in individuals affected with COL17A1-related conditions. Algorithms developed to predict the effect of sequence changes on RNA splicing suggest that this variant may disrupt the consensus splice site. In summary, the currently available evidence indicates that the variant is pathogenic, but additional data are needed to prove that conclusively. Therefore, this variant has been classified as Likely Pathogenic.

Literature cited by the submitters: PubMed 16199547; PubMed 16473856; PubMed 17344927; PubMed 20301304; PubMed 21357940; PubMed 24319098.